The following is an entry in ClinVar:

NM_015135.3(NUP205):c.4021A>T (p.Thr1341Ser)

Gene: NUP205 (nucleoporin 205; plus strand). Cytogenetic location: 7q33.
Variant type: single nucleotide variant.
Coding change: c.4021A>T on transcript NM_015135.3 (MANE Select); coding-DNA position 4021, A replaced by T.
Protein change: p.Thr1341Ser; replaces threonine 1341 with serine.
Molecular consequence: missense variant.
Genome position (GRCh38, 1-based): chr7:135,619,480, A>T. VCF-style: chr7-135619480-A-T. GRCh37 (hg19) VCF-style: chr7-135304228-A-T.
Other names: c.2947A>T, p.Thr983Ser (NM_001329434.2); short protein forms T1341S, T983S.
Identifiers: ClinVar variation 2020418 (VCV002020418.4), dbSNP rs2486184712, ClinGen allele CA369353538.
Genomic context (GRCh38, chr7:135,619,480, plus strand): 5'-AAGATACTGGATGATGAAGCTGCGCAAGAGTTAATGCCTGTGGTCGCCGGGGCAGTGTTC[A>T]CACTGACTGCTCACCTAAGCCAGGCCGTCCTCACTGAACAGAAGGAAACATCAGTCTTGG-3'
Protein context (NP_055950.2, residues 1331-1351): LMPVVAGAVF[Thr1341Ser]LTAHLSQAVL

ClinVar aggregate classification (germline): Uncertain significance (1 of 4 stars; one submission).

Submission:

Labcorp Genetics (formerly Invitae), Labcorp
Classification: Uncertain significance. Last evaluated: 2023-01-03. Review status: criteria provided, single submitter. Criteria: Invitae Variant Classification Sherloc (09022015). Collection method: clinical testing. Allele origin: germline.
Comment: In summary, the available evidence is currently insufficient to determine the role of this variant in disease. Therefore, it has been classified as a Variant of Uncertain Significance. Advanced modeling of protein sequence and biophysical properties (such as structural, functional, and spatial information, amino acid conservation, physicochemical variation, residue mobility, and thermodynamic stability) performed at Invitae indicates that this missense variant is not expected to disrupt NUP205 protein function. This variant has not been reported in the literature in individuals affected with NUP205-related conditions. This variant is not present in population databases (gnomAD no frequency). This sequence change replaces threonine, which is neutral and polar, with serine, which is neutral and polar, at codon 1341 of the NUP205 protein (p.Thr1341Ser).